The following is an entry in ClinVar:

NM_006231.4(POLE):c.2261A>C (p.Tyr754Ser)

Gene: POLE (DNA polymerase epsilon, catalytic subunit; minus strand). Cytogenetic location: 12q24.33.
Variant type: single nucleotide variant.
Coding change: c.2261A>C on transcript NM_006231.4 (MANE Select); coding-DNA position 2261, A replaced by C.
Protein change: p.Tyr754Ser; replaces tyrosine 754 with serine.
Molecular consequence: missense variant.
Genome position (GRCh38, 1-based): chr12:132,667,561, T>G on the plus strand (A>C on the coding strand, the complement: POLE is on the minus strand). VCF-style: chr12-132667561-T-G. GRCh37 (hg19) VCF-style: chr12-133244147-T-G.
Other names: short protein forms Y754S.
Identifiers: ClinVar variation 3935692 (VCV003935692.1).

ClinVar aggregate classification (germline): Uncertain significance (1 of 4 stars; one submission).

Conditions:
Hereditary cancer-predisposing syndrome. Also called: Tumor predisposition; Hereditary neoplastic syndrome; Hereditary Cancer Syndrome; Neoplastic Syndromes, Hereditary. Identifiers: Orphanet 140162, MedGen C0027672, MeSH D009386, MONDO:0015356.

Submission:

Ambry Genetics
Classification: Uncertain significance for Hereditary cancer-predisposing syndrome. Last evaluated: 2025-03-26. Review status: criteria provided, single submitter. Criteria: Ambry Variant Classification Scheme 2023. Collection method: clinical testing. Allele origin: germline.
Comment: The p.Y754S variant (also known as c.2261A>C), located in coding exon 20 of the POLE gene, results from an A to C substitution at nucleotide position 2261. The tyrosine at codon 754 is replaced by serine, an amino acid with dissimilar properties. This amino acid position is highly conserved in available vertebrate species. In addition, this alteration is predicted to be deleterious by in silico analysis. Based on the available evidence, the clinical significance of this variant remains unclear.